The following is an entry in ClinVar:

NM_014714.4(IFT140):c.1009+10C>T

Genes: IFT140 (intraflagellar transport 140; minus strand), LOC105371046 (uncharacterized LOC105371046; plus strand). Cytogenetic location: 16p13.3.
Variant type: single nucleotide variant.
Coding change: c.1009+10C>T on transcript NM_014714.4 (MANE Select); 10 bases into the intron after coding-DNA position 1009, C replaced by T.
Molecular consequence: intron variant.
Genome position (GRCh38, 1-based): chr16:1,587,188, G>A on the plus strand (C>T on the coding strand, the complement: IFT140 is on the minus strand). VCF-style: chr16-1587188-G-A. GRCh37 (hg19) VCF-style: chr16-1637189-G-A.
Other names: c.1009+10C>T (NM_014714.3).
Identifiers: ClinVar variation 2805980 (VCV002805980.5), dbSNP rs2034931004, ClinGen allele CA2201742264.

ClinVar aggregate classification (germline): Likely benign. Review status: criteria provided, single submitter (1 of 4 stars). 2 submissions from 2 submitters: Likely benign (1). 1 of the submissions does not count toward it. Last evaluated 2025-08-15.

Conditions:
Saldino-Mainzer syndrome (SRTD9). Also called: CONORENAL SYNDROME; Renal dysplasia, retinal pigmentary dystrophy, cerebellar ataxia and skeletal dysplasia; SHORT-RIB THORACIC DYSPLASIA 9 WITHOUT POLYDACTYLY; short-rib thoracic dysplasia 9 with or without polydactyly. Identifiers: Orphanet 140969, MedGen C1849437, MONDO:0009964, OMIM 266920.
IFT140-related disorder. Also called: IFT140-related condition.

Allele frequency attached by ClinVar (database versions not stated): gnomAD exomes below 0.00001; TOPMed 0.00002.
gnomAD v4.1: 1 of 1,562,228 alleles (0.000064%); highest among the groups gnomAD compares: Non-Finnish European, 0.000088%; no homozygotes.

Submissions (2):

Labcorp Genetics (formerly Invitae), Labcorp
Classification: Likely benign for Saldino-Mainzer syndrome. Last evaluated: 2025-08-15. Review status: criteria provided, single submitter. Criteria: Invitae Variant Classification Sherloc (09022015). Collection method: clinical testing. Allele origin: germline.

PreventionGenetics, part of Exact Sciences
Classification: Likely benign for IFT140-related condition. Last evaluated: 2022-10-07. Review status: no assertion criteria provided. Collection method: clinical testing. Allele origin: germline. Not counted in ClinVar's aggregate classification.
Comment: This variant is classified as likely benign based on ACMG/AMP sequence variant interpretation guidelines (Richards et al. 2015 PMID: 25741868, with internal and published modifications).